The following is an entry in ClinVar:

NM_017534.6(MYH2):c.2059C>T (p.Pro687Ser)

Genes: MYH2 (myosin heavy chain 2; minus strand), MYHAS (myosin heavy chain gene cluster antisense RNA; plus strand). Cytogenetic location: 17p13.1.
Variant type: single nucleotide variant.
Coding change: c.2059C>T on transcript NM_017534.6 (MANE Select); coding-DNA position 2059, C replaced by T.
Protein change: p.Pro687Ser; replaces proline 687 with serine.
Molecular consequence: missense variant.
Genome position (GRCh38, 1-based): chr17:10,535,281, G>A on the plus strand (C>T on the coding strand, the complement: MYH2 is on the minus strand). VCF-style: chr17-10535281-G-A. GRCh37 (hg19) VCF-style: chr17-10438598-G-A.
Other names: c.2059C>T, p.Pro687Ser (NM_001100112.2); short protein forms P687S.
Identifiers: ClinVar variation 956597 (VCV000956597.7), dbSNP rs2073469870, ClinGen allele CA398151513.
Genomic context (GRCh38, chr17:10,535,281, plus strand): 5'-CTGTTGAAAAGGAGGTGTGGCAGTCATCCTTTGCACTTTCATTATGGAATTTCTTACCAG[G>A]AGTTTTTGTCTCATTGGGGATGATACACCTCACAAAGTGAGGATGGGTACTCCTGAGGTT-3'
Protein context (NP_060004.3, residues 677-697): RCIIPNETKT[Pro687Ser]GAMEHELVLH

ClinVar aggregate classification (germline): Uncertain significance (1 of 4 stars; one submission).

Conditions:
Myopathy, proximal, and ophthalmoplegia (CMYO6). Also called: MYOPATHY WITH CONGENITAL JOINT CONTRACTURES, OPHTHALMOPLEGIA, AND RIMMED VACUOLES; CONGENITAL MYOPATHY 6 WITH OPHTHALMOPLEGIA; INCLUSION BODY MYOPATHY 3, AUTOSOMAL DOMINANT. Identifiers: Orphanet 363677, Orphanet 79091, MedGen C1854106, MONDO:0011577, OMIM 605637.

Submission:

Labcorp Genetics (formerly Invitae), Labcorp
Classification: Uncertain significance for Myopathy, proximal, and ophthalmoplegia. Last evaluated: 2020-02-17. Review status: criteria provided, single submitter. Criteria: Invitae Variant Classification Sherloc (09022015). Collection method: clinical testing. Allele origin: germline.
Comment: This variant has not been reported in the literature in individuals with MYH2-related conditions. Algorithms developed to predict the effect of missense changes on protein structure and function are either unavailable or do not agree on the potential impact of this missense change (SIFT: "Deleterious"; PolyPhen-2: "Benign"; Align-GVGD: "Class C65"). In summary, the available evidence is currently insufficient to determine the role of this variant in disease. Therefore, it has been classified as a Variant of Uncertain Significance. This variant is not present in population databases (ExAC no frequency). This sequence change replaces proline with serine at codon 687 of the MYH2 protein (p.Pro687Ser). The proline residue is highly conserved and there is a moderate physicochemical difference between proline and serine.